The following is an entry in ClinVar:

NM_015459.5(ATL3):c.405+1G>A

Genes: ATL3 (atlastin GTPase 3; minus strand), LNCROPM (lncRNA regulator of PLAAT3 mediated phospholipid metabolism; plus strand). Cytogenetic location: 11q13.1.
Variant type: single nucleotide variant.
Coding change: c.405+1G>A on transcript NM_015459.5 (MANE Select); the canonical splice donor site of the intron after coding-DNA position 405, G replaced by A.
Molecular consequence: splice donor variant.
Genome position (GRCh38, 1-based): chr11:63,658,760, C>T on the plus strand (G>A on the coding strand, the complement: ATL3 is on the minus strand). VCF-style: chr11-63658760-C-T. GRCh37 (hg19) VCF-style: chr11-63426232-C-T.
Other names: c.351+1G>A (NM_001290048.2).
Identifiers: ClinVar variation 655065 (VCV000655065.7), dbSNP rs990340883, ClinGen allele CA381029897.

ClinVar aggregate classification (germline): Uncertain significance (1 of 4 stars; one submission).

Conditions:
Neuropathy, hereditary sensory, type 1F. Also called: Hereditary sensory neuropathy type IF; HSN IF. Identifiers: Orphanet 36386, MedGen C3810194, MONDO:0014286, OMIM 615632.

Submission:

Labcorp Genetics (formerly Invitae), Labcorp
Classification: Uncertain significance for Neuropathy, hereditary sensory, type 1F. Last evaluated: 2018-11-20. Review status: criteria provided, single submitter. Criteria: Invitae Variant Classification Sherloc (09022015). Collection method: clinical testing. Allele origin: germline.
Comment: This variant has not been reported in the literature in individuals with ATL3-related disease. In summary, the available evidence is currently insufficient to determine the role of this variant in disease. Therefore, it has been classified as a Variant of Uncertain Significance. The current clinical and genetic evidence is not sufficient to establish whether loss-of-function variants in ATL3 cause disease. This variant is not present in population databases (ExAC no frequency). This sequence change affects a donor splice site in intron 3 of the ATL3 gene. It is expected to disrupt RNA splicing and likely results in an absent or disrupted protein product.